The following is an entry in ClinVar:

ClinVar aggregate classification (germline): Uncertain significance (1 of 4 stars; one submission).

Conditions:
Rubinstein-Taybi syndrome due to EP300 haploinsufficiency. Also called: EP300-Related Rubinstein-Taybi Syndrome; RUBINSTEIN-TAYBI SYNDROME 2. Identifiers: Orphanet 353284, Orphanet 783, MedGen C3150941, MONDO:0013364, OMIM 613684.

gnomAD v4.1: 1 of 1,614,164 alleles (0.000062%); highest among the groups gnomAD compares: Admixed American, 0.0017%; no homozygotes.

Submission:

Labcorp Genetics (formerly Invitae), Labcorp
Classification: Uncertain significance for Rubinstein-Taybi syndrome due to EP300 haploinsufficiency. Last evaluated: 2024-11-10. Review status: criteria provided, single submitter. Criteria: Invitae Variant Classification Sherloc (09022015). Collection method: clinical testing. Allele origin: germline.
Comment: This sequence change replaces proline, which is neutral and non-polar, with leucine, which is neutral and non-polar, at codon 2115 of the EP300 protein (p.Pro2115Leu). This variant is not present in population databases (gnomAD no frequency). This variant has not been reported in the literature in individuals affected with EP300-related conditions. Invitae Evidence Modeling of protein sequence and biophysical properties (such as structural, functional, and spatial information, amino acid conservation, physicochemical variation, residue mobility, and thermodynamic stability) indicates that this missense variant is not expected to disrupt EP300 protein function with a negative predictive value of 95%. In summary, the available evidence is currently insufficient to determine the role of this variant in disease. Therefore, it has been classified as a Variant of Uncertain Significance.

NM_001429.4(EP300):c.6344C>T (p.Pro2115Leu)

Gene: EP300 (EP300 lysine acetyltransferase; plus strand). Cytogenetic location: 22q13.2.
Variant type: single nucleotide variant.
Coding change: c.6344C>T on transcript NM_001429.4 (MANE Select); coding-DNA position 6344, C replaced by T.
Protein change: p.Pro2115Leu; replaces proline 2115 with leucine.
Molecular consequence: missense variant.
Genome position (GRCh38, 1-based): chr22:41,178,055, C>T. VCF-style: chr22-41178055-C-T. GRCh37 (hg19) VCF-style: chr22-41574059-C-T.
Other names: c.6266C>T, p.Pro2089Leu (NM_001362843.2); short protein forms P2089L, P2115L.
Identifiers: ClinVar variation 3637798 (VCV003637798.2).